The following is an entry in ClinVar:

ClinVar aggregate classification (germline): Uncertain significance. Review status: criteria provided, multiple submitters, no conflicts (2 of 4 stars). 3 submissions from 3 submitters: Uncertain significance (2). 1 of the submissions does not count toward it. Last evaluated 2022-08-01.

Conditions:
PCNT-related disorder. Also called: PCNT-related condition.

Allele frequency attached by ClinVar (database versions not stated): ExAC 0.00003; gnomAD exomes 0.00007 and 0.00011; gnomAD 0.00011; TOPMed 0.00014.
gnomAD v4.1: 179 of 1,605,528 alleles (0.011%); highest among the groups gnomAD compares: Non-Finnish European, 0.014%; no homozygotes.

Submissions (3):

Labcorp Genetics (formerly Invitae), Labcorp
Classification: Uncertain significance. Last evaluated: 2022-08-01. Review status: criteria provided, single submitter. Criteria: Invitae Variant Classification Sherloc (09022015). Collection method: clinical testing. Allele origin: germline.
Comment: This sequence change replaces arginine, which is basic and polar, with cysteine, which is neutral and slightly polar, at codon 1902 of the PCNT protein (p.Arg1902Cys). This variant is present in population databases (rs752178247, gnomAD 0.02%). This variant has not been reported in the literature in individuals affected with PCNT-related conditions. ClinVar contains an entry for this variant (Variation ID: 1432378). Algorithms developed to predict the effect of missense changes on protein structure and function output the following: SIFT: "Deleterious"; PolyPhen-2: "Possibly Damaging"; Align-GVGD: "Class C0". The cysteine amino acid residue is found in multiple mammalian species, which suggests that this missense change does not adversely affect protein function. In summary, the available evidence is currently insufficient to determine the role of this variant in disease. Therefore, it has been classified as a Variant of Uncertain Significance.

Breakthrough Genomics
Classification: Uncertain significance. Review status: criteria provided, single submitter. Criteria: ACMG Guidelines, 2015. Collection method: not provided. Allele origin: germline. Inheritance: Autosomal dominant inheritance. Affected: yes.

PreventionGenetics, part of Exact Sciences
Classification: Uncertain significance for PCNT-related condition. Last evaluated: 2024-08-06. Review status: no assertion criteria provided. Collection method: clinical testing. Allele origin: germline. Not counted in ClinVar's aggregate classification.
Comment: The PCNT c.5704C>T variant is predicted to result in the amino acid substitution p.Arg1902Cys. To our knowledge, this variant has not been reported in the literature. This variant is reported in 0.018% of alleles in individuals of African descent in gnomAD. At this time, the clinical significance of this variant is uncertain due to the absence of conclusive functional and genetic evidence.

NM_006031.6(PCNT):c.5704C>T (p.Arg1902Cys)

Gene: PCNT (pericentrin; plus strand). Cytogenetic location: 21q22.3.
Variant type: single nucleotide variant.
Coding change: c.5704C>T on transcript NM_006031.6 (MANE Select); coding-DNA position 5704, C replaced by T.
Protein change: p.Arg1902Cys; replaces arginine 1902 with cysteine.
Molecular consequence: missense variant.
Genome position (GRCh38, 1-based): chr21:46,411,777, C>T. VCF-style: chr21-46411777-C-T. GRCh37 (hg19) VCF-style: chr21-47831691-C-T.
Other names: c.5350C>T, p.Arg1784Cys (NM_001315529.2); c.5704C>T (NM_006031.5); short protein forms R1784C, R1902C.
Identifiers: ClinVar variation 1432378 (VCV001432378.8), dbSNP rs752178247, ClinGen allele CA10080068.